The following is an entry in ClinVar:

ClinVar aggregate classification (germline): Likely benign (1 of 4 stars; one submission).

Submission:

CeGaT Center for Human Genetics Tuebingen
Classification: Likely benign. Last evaluated: 2025-01-01. Review status: criteria provided, single submitter. Criteria: CeGaT Center For Human Genetics Tuebingen Variant Classification Criteria Version 2. Collection method: clinical testing. Allele origin: germline. Affected: yes. Observed: 1 variant allele.
Comment: NAF1: BP4, BP7

NM_138386.3(NAF1):c.1428A>C (p.Pro476=)

Gene: NAF1 (nuclear assembly factor 1 ribonucleoprotein; minus strand). Cytogenetic location: 4q32.2.
Variant type: single nucleotide variant.
Coding change: c.1428A>C on transcript NM_138386.3 (MANE Select); coding-DNA position 1428, A replaced by C.
Protein change: p.Pro476=; no amino-acid change (proline 476 retained).
Molecular consequence: synonymous variant. On other transcripts: intron variant (1).
Genome position (GRCh38, 1-based): chr4:163,128,954, T>G on the plus strand (A>C on the coding strand, the complement: NAF1 is on the minus strand). VCF-style: chr4-163128954-T-G. GRCh37 (hg19) VCF-style: chr4-164050106-T-G.
Other names: c.1034-1839A>C (NM_001128931.2).
Identifiers: ClinVar variation 3770868 (VCV003770868.13).